The following is an entry in ClinVar:

ClinVar aggregate classification (germline): Uncertain significance (1 of 4 stars; one submission).

Conditions:
Hereditary cancer-predisposing syndrome. Also called: Tumor predisposition; Hereditary Cancer Syndrome; Hereditary neoplastic syndrome; Neoplastic Syndromes, Hereditary. Identifiers: Orphanet 140162, MedGen C0027672, MeSH D009386, MONDO:0015356.

Submission:

Ambry Genetics
Classification: Uncertain significance for Hereditary cancer-predisposing syndrome. Last evaluated: 2023-08-03. Review status: criteria provided, single submitter. Criteria: Ambry Variant Classification Scheme 2023. Collection method: clinical testing. Allele origin: germline.
Comment: The p.S1143C variant (also known as c.3428C>G), located in coding exon 20 of the PTCH1 gene, results from a C to G substitution at nucleotide position 3428. The serine at codon 1143 is replaced by cysteine, an amino acid with dissimilar properties. This amino acid position is conserved. In addition, this alteration is predicted to be deleterious by in silico analysis. Since supporting evidence is limited at this time, the clinical significance of this alteration remains unclear.

NM_000264.5(PTCH1):c.3428C>G (p.Ser1143Cys)

Gene: PTCH1 (patched 1; minus strand). Cytogenetic location: 9q22.32.
Variant type: single nucleotide variant.
Coding change: c.3428C>G on transcript NM_000264.5 (MANE Select); coding-DNA position 3428, C replaced by G.
Protein change: p.Ser1143Cys; replaces serine 1143 with cysteine.
Molecular consequence: missense variant. On other transcripts: non-coding transcript variant (1).
Genome position (GRCh38, 1-based): chr9:95,453,499, G>C on the plus strand (C>G on the coding strand, the complement: PTCH1 is on the minus strand). VCF-style: chr9-95453499-G-C. GRCh37 (hg19) VCF-style: chr9-98215781-G-C.
Other names: c.3230C>G, p.Ser1077Cys (NM_001083602.3); c.3425C>G, p.Ser1142Cys (NM_001083603.3); c.2975C>G, p.Ser992Cys (NM_001083604.3, NM_001083605.3, NM_001083606.3 and 1 more transcripts); c.3272C>G, p.Ser1091Cys (NM_001354918.2); short protein forms S992C, S1091C, S1142C, S1143C, S1077C.
Identifiers: ClinVar variation 2626237 (VCV002626237.2), dbSNP rs2538040294, ClinGen allele CA374111695.